The following is an entry in ClinVar:

NM_033305.3(VPS13A):c.2423del (p.Phe808fs)

Gene: VPS13A (vacuolar protein sorting 13 homolog A; plus strand). Cytogenetic location: 9q21.2.
Variant type: Deletion.
Coding change: c.2423del on transcript NM_033305.3 (MANE Select); coding-DNA position 2423, one base deleted (T; older notation c.2423delT).
Protein change: p.Phe808fs; shifts the reading frame from phenylalanine 808.
Molecular consequence: frameshift variant.
Genome position (GRCh38, 1-based): chr9:77,260,220, T deleted; the last of 2 consecutive T bases (chr9:77,260,219-77,260,220); deleting either gives the same sequence. VCF-style (leftmost placement, unchanged base first): chr9-77260218-AT-A. GRCh37 (hg19) VCF-style: chr9-79875134-AT-A.
Other names: c.2423del, p.Phe808fs (NM_001018037.2, NM_001018038.3, NM_015186.4); short protein forms F808fs.
Identifiers: ClinVar variation 5014737 (VCV005014737.1).

ClinVar aggregate classification (germline): Pathogenic (1 of 4 stars; one submission).

Conditions:
VPS13A-related neurodegenerative disease. Also called: ACANTHOCYTOSIS WITH NEUROLOGIC DISORDER; LEVINE-CRITCHLEY SYNDROME; Choreoacanthocytosis; Chorea-acanthocytosis; Choreaacanthocytosis; VPS13A Disease. Identifiers: Orphanet 2388, MedGen C0393576, MONDO:0008695, OMIM 200150.

Submission:

Myriad Genetics, Inc.
Classification: Pathogenic for VPS13A-related neurodegenerative disease. Last evaluated: 2025-07-15. Review status: criteria provided, single submitter. Criteria: Myriad Autosomal Dominant, Autosomal Recessive and X-Linked Classification Criteria (2023). Collection method: clinical testing. Allele origin: unknown.
Comment: NM_033305.2(VPS13A):c.2423delT(F808Sfs*18) is expected to be pathogenic in the context of VPS13A disease. This variant is predicted to lead to an abnormal or absent protein product due to the creation of a premature termination codon in VPS13A, a gene where loss-of-function variants are known to be pathogenic. Please note: this variant was assessed in the context of healthy population screening.